The following is an entry in ClinVar:

NM_006059.4(LAMC3):c.1818G>T (p.Arg606Ser)

Genes: LAMC3 (laminin subunit gamma 3; plus strand), LOC126860777 (BRD4-independent group 4 enhancer GRCh37_chr9:133927058-133928257; plus strand). Cytogenetic location: 9q34.12.
Variant type: single nucleotide variant.
Coding change: c.1818G>T on transcript NM_006059.4 (MANE Select); coding-DNA position 1818, G replaced by T.
Protein change: p.Arg606Ser; replaces arginine 606 with serine.
Molecular consequence: missense variant.
Genome position (GRCh38, 1-based): chr9:131,052,678, G>T. VCF-style: chr9-131052678-G-T. GRCh37 (hg19) VCF-style: chr9-133928065-G-T.
Other names: short protein forms R606S.
Identifiers: ClinVar variation 2086547 (VCV002086547.4), dbSNP rs138907739, ClinGen allele CA375264135.
Genomic context (GRCh38, chr9:131,052,678, plus strand): 5'-GAGGCACTCTAGCCTGTCTGGCCCCCAGGATGCCGGGCATCCCAGGGAGGTAGAGCTCAG[G>T]TTCCAGTAAGTATCCCCTTCTGTCCTGAGAGATGGGGAGGTGAGAGGGGTGGTCTCTGAG-3'
Protein context (NP_006050.3, residues 596-616): DAGHPREVEL[Arg606Ser]FHLQETSEDV

ClinVar aggregate classification (germline): Uncertain significance (1 of 4 stars; one submission).

Submission:

Labcorp Genetics (formerly Invitae), Labcorp
Classification: Uncertain significance. Last evaluated: 2022-01-16. Review status: criteria provided, single submitter. Criteria: Invitae Variant Classification Sherloc (09022015). Collection method: clinical testing. Allele origin: germline.
Comment: In summary, the available evidence is currently insufficient to determine the role of this variant in disease. Therefore, it has been classified as a Variant of Uncertain Significance. Algorithms developed to predict the effect of missense changes on protein structure and function output the following: SIFT: "Tolerated"; PolyPhen-2: "Benign"; Align-GVGD: "Class C0". The serine amino acid residue is found in multiple mammalian species, which suggests that this missense change does not adversely affect protein function. This variant has not been reported in the literature in individuals affected with LAMC3-related conditions. This variant is not present in population databases (gnomAD no frequency). This sequence change replaces arginine, which is basic and polar, with serine, which is neutral and polar, at codon 606 of the LAMC3 protein (p.Arg606Ser).